The following is an entry in ClinVar:

NM_001353345.2(SETD1B):c.5473C>T (p.Arg1825Trp)

Gene: SETD1B (SET domain containing 1B, histone lysine methyltransferase; plus strand). Cytogenetic location: 12q24.31.
Variant type: single nucleotide variant.
Coding change: c.5473C>T on transcript NM_001353345.2 (MANE Select); coding-DNA position 5473, C replaced by T.
Protein change: p.Arg1825Trp; replaces arginine 1825 with tryptophan.
Molecular consequence: missense variant.
Genome position (GRCh38, 1-based): chr12:121,827,738, C>T. VCF-style: chr12-121827738-C-T. GRCh37 (hg19) VCF-style: chr12-122265644-C-T.
Other names: short protein forms R1825W.
Identifiers: ClinVar variation 1801339 (VCV001801339.6), dbSNP rs2500252391, ClinGen allele CA387004669.

ClinVar aggregate classification (germline): Likely pathogenic. Review status: criteria provided, multiple submitters, no conflicts (2 of 4 stars). 2 submissions from 2 submitters: Likely pathogenic (2). Last evaluated 2025-04-14.

Conditions:
Intellectual developmental disorder with seizures and language delay (IDDSELD). Identifiers: MedGen C5436574, MONDO:0033559, OMIM 619000.

Submissions (2):

Labcorp Genetics (formerly Invitae), Labcorp
Classification: Likely pathogenic. Last evaluated: 2025-04-14. Review status: criteria provided, single submitter. Criteria: Invitae Variant Classification Sherloc (09022015). Collection method: clinical testing. Allele origin: germline.
Comment: The SETD1B gene has multiple clinically relevant transcripts. This variant occurs in alternate transcript NM_001353345.1, and corresponds to NM_015048.1:c.5344C>T in the primary transcript. This sequence change replaces arginine, which is basic and polar, with tryptophan, which is neutral and slightly polar, at codon 1825 of the SETD1B protein (p..Arg1825Trp). This variant is not present in population databases (gnomAD no frequency). This missense change has been observed in individual(s) with clinical features of SETD1B-related neurodevelopmental disorder (PMID: 38313655). In at least one individual the variant was observed to be de novo. ClinVar contains an entry for this variant (Variation ID: 1801339). Experimental studies and prediction algorithms are not available or were not evaluated, and the functional significance of this variant is currently unknown. In summary, the currently available evidence indicates that the variant is pathogenic, but additional data are needed to prove that conclusively. Therefore, this variant has been classified as Likely Pathogenic.

Institute of Human Genetics, Clinical Exome/Genome Diagnostics Group, University Hospital Bonn
Classification: Likely pathogenic for Intellectual developmental disorder with seizures and language delay. Last evaluated: 2020-09-24. Review status: criteria provided, single submitter. Criteria: ACMG Guidelines, 2015. Collection method: clinical testing. Allele origin: germline. Affected: yes.

Literature cited by the submitters: PubMed 38313655 (cited by Labcorp Genetics (formerly Invitae), Labcorp).